The following is an entry in ClinVar:

ClinVar aggregate classification (germline): Uncertain significance (1 of 4 stars; one submission).

Conditions:
Tumor predisposition syndrome 3 (TPDS3). Also called: Glioma susceptibility 9; LONG TELOMERE SYNDROME, POT1-RELATED; POT1 Tumor Predisposition; Melanoma, cutaneous malignant, susceptibility to, 10. Identifiers: Orphanet 618, MedGen C4014476, MONDO:0014368, OMIM 615848.

Submission:

Labcorp Genetics (formerly Invitae), Labcorp
Classification: Uncertain significance for Tumor predisposition syndrome 3. Last evaluated: 2021-06-25. Review status: criteria provided, single submitter. Criteria: Invitae Variant Classification Sherloc (09022015). Collection method: clinical testing. Allele origin: germline.
Comment: In summary, the available evidence is currently insufficient to determine the role of this variant in disease. Therefore, it has been classified as a Variant of Uncertain Significance. Algorithms developed to predict the effect of missense changes on protein structure and function (SIFT, PolyPhen-2, Align-GVGD) all suggest that this variant is likely to be tolerated, but these predictions have not been confirmed by published functional studies and their clinical significance is uncertain. This variant has not been reported in the literature in individuals with POT1-related conditions. This variant is not present in population databases (ExAC no frequency). This sequence change replaces histidine with proline at codon 393 of the POT1 protein (p.His393Pro). The histidine residue is weakly conserved and there is a moderate physicochemical difference between histidine and proline.

NM_015450.3(POT1):c.1178A>C (p.His393Pro)

Gene: POT1 (protection of telomeres 1; minus strand). Cytogenetic location: 7q31.33.
Variant type: single nucleotide variant.
Coding change: c.1178A>C on transcript NM_015450.3 (MANE Select); coding-DNA position 1178, A replaced by C.
Protein change: p.His393Pro; replaces histidine 393 with proline.
Molecular consequence: missense variant. On other transcripts: non-coding transcript variant (3).
Genome position (GRCh38, 1-based): chr7:124,841,164, T>G on the plus strand (A>C on the coding strand, the complement: POT1 is on the minus strand). VCF-style: chr7-124841164-T-G. GRCh37 (hg19) VCF-style: chr7-124481218-T-G.
Other names: c.785A>C, p.His262Pro (NM_001042594.2); short protein forms H393P, H262P.
Identifiers: ClinVar variation 945126 (VCV000945126.10), dbSNP rs746416077, ClinGen allele CA369067726.